The following is an entry in ClinVar:

ClinVar aggregate classification (germline): Pathogenic (1 of 4 stars; one submission).

Conditions:
Congenital insensitivity to pain-hypohidrosis syndrome. Also called: HSAN VIII; Neuropathy, hereditary sensory and autonomic, type VIII. Identifiers: Orphanet 478664, MedGen C4225308, MONDO:0014662, OMIM 616488.

Allele frequency attached by ClinVar (database versions not stated): gnomAD exomes below 0.00001.

Submission:

Labcorp Genetics (formerly Invitae), Labcorp
Classification: Pathogenic for Congenital insensitivity to pain-hypohidrosis syndrome. Last evaluated: 2024-04-29. Review status: criteria provided, single submitter. Criteria: Invitae Variant Classification Sherloc (09022015). Collection method: clinical testing. Allele origin: germline.
Comment: This sequence change creates a premature translational stop signal (p.Ile102Serfs*20) in the PRDM12 gene. It is expected to result in an absent or disrupted protein product. Loss-of-function variants in PRDM12 are known to be pathogenic (PMID: 25891934, 26005867). This variant is present in population databases (no rsID available, gnomAD 0.003%). This variant has not been reported in the literature in individuals affected with PRDM12-related conditions. ClinVar contains an entry for this variant (Variation ID: 2092371). For these reasons, this variant has been classified as Pathogenic.

Literature cited by the submitters: PubMed 25891934; PubMed 26005867.

NM_021619.3(PRDM12):c.303del (p.Ile102fs)

Genes: PRDM12 (PR/SET domain 12; plus strand), LOC126860775 (CDK7 strongly-dependent group 2 enhancer GRCh37_chr9:133541982-133543181; plus strand). Cytogenetic location: 9q34.12.
Variant type: Deletion.
Coding change: c.303del on transcript NM_021619.3 (MANE Select); coding-DNA position 303, one base deleted (C; older notation c.303delC).
Protein change: p.Ile102fs; shifts the reading frame from isoleucine 102.
Molecular consequence: frameshift variant.
Genome position (GRCh38, 1-based): chr9:130,666,687, C deleted. VCF-style (leftmost placement, unchanged base first): chr9-130666686-GC-G. GRCh37 (hg19) VCF-style: chr9-133542073-GC-G.
Other names: short protein forms I102fs.
Identifiers: ClinVar variation 2092371 (VCV002092371.4), dbSNP rs1410327797, ClinGen allele CA590945251.